The following is an entry in ClinVar:

ClinVar aggregate classification (germline): Uncertain significance. Review status: criteria provided, single submitter (1 of 4 stars). 2 submissions from 2 submitters: Uncertain significance (1). 1 of the submissions does not count toward it. Last evaluated 2012-11-29.

Conditions:
Classic homocystinuria. Also called: Homocystinuria due to Cystathionine Beta-Synthase Deficiency; HOMOCYSTINURIA WITH OR WITHOUT RESPONSE TO PYRIDOXINE; Homocystinuria due to CBS deficiency; Cystathionine beta-synthase deficiency; CBS deficiency. Identifiers: Orphanet 394, MedGen C0751202, MONDO:0009352, OMIM 236200.

Allele frequency attached by ClinVar (database versions not stated): ExAC 0.00001.

Submissions (2):

GeneDx
Classification: Uncertain significance. Last evaluated: 2012-11-29. Review status: criteria provided, single submitter. Criteria: GeneDx Variant Classification (06012015). Collection method: clinical testing. Allele origin: germline. Affected: yes.
Comment: p.Met337Leu (ATG>CTG): c.1009 A>C in exon 11 of the CBS gene (NM_000071.2). The Met337Leu variant in the CBS gene has not been reported as a disease-causing mutation nor as a benign polymorphism to our knowledge. Met337Leu results in a conservative amino acid substitution of one non-polar amino acid with another at a position that is conserved in mammals and chicken. Mutations in nearby codons (Arg336Cys, Arg336His, Leu338Pro) have been reported in association with homocystinuria, supporting the functional importance of this region of the protein. However, in silico analysis predicts Met337Leu is benign to the protein structure/function. The NHLBI ESP Exome Variant Server reports Met337Leu was observed in 1/4,406 alleles from individuals of African American background. With the clinical and molecular information available at this time, we cannot definitively determine if Met337Leu is a disease-causing mutation or a rare benign variant. This variant was found in TAAD

Natera, Inc.
Classification: Uncertain significance for Homocystinuria due to cystathionine beta-synthase deficiency. Last evaluated: 2020-09-16. Review status: no assertion criteria provided. Collection method: clinical testing. Allele origin: germline. Not counted in ClinVar's aggregate classification.

NM_000071.3(CBS):c.1009A>C (p.Met337Leu)

Gene: CBS (cystathionine beta-synthase; minus strand). Cytogenetic location: 21q22.3.
Variant type: single nucleotide variant.
Coding change: c.1009A>C on transcript NM_000071.3 (MANE Select); coding-DNA position 1009, A replaced by C.
Protein change: p.Met337Leu; replaces methionine 337 with leucine.
Molecular consequence: missense variant.
Genome position (GRCh38, 1-based): chr21:43,062,341, T>G on the plus strand (A>C on the coding strand, the complement: CBS is on the minus strand). VCF-style: chr21-43062341-T-G. GRCh37 (hg19) VCF-style: chr21-44482451-T-G.
Other names: p.M337L:ATG>CTG; c.1009A>C, p.Met337Leu (NM_001178008.3, NM_001178009.3, NM_001320298.2); c.694A>C, p.Met232Leu (NM_001321072.1); short protein forms M337L, M232L.
Identifiers: ClinVar variation 212858 (VCV000212858.3), dbSNP rs372822486, ClinGen allele CA323553.
Genomic context (GRCh38, chr21:43,062,341, plus strand): 5'-CCCATACCCCCGTGCCCGCCACCCACTCACCGCACAGCAGCCCCTCTTGCGCGATCAGCA[T>G]GCGGGCAAAGGTGAACGCCTCCTCATCGTTGCTCTTGAACCACTTGTCCACCACCTGAGC-3'
Protein context (NP_000062.1, residues 327-347): NDEEAFTFAR[Met337Leu]LIAQEGLLCG